The following is an entry in ClinVar:

NM_021008.4(DEAF1):c.759A>T (p.Lys253Asn)

Gene: DEAF1 (DEAF1 transcription factor; minus strand). Cytogenetic location: 11p15.5.
Variant type: single nucleotide variant.
Coding change: c.759A>T on transcript NM_021008.4 (MANE Select); coding-DNA position 759, A replaced by T.
Protein change: p.Lys253Asn; replaces lysine 253 with asparagine.
Molecular consequence: missense variant. On other transcripts: intron variant (1).
Genome position (GRCh38, 1-based): chr11:686,903, T>A on the plus strand (A>T on the coding strand, the complement: DEAF1 is on the minus strand). VCF-style: chr11-686903-T-A. GRCh37 (hg19) VCF-style: chr11-686903-T-A.
Other names: c.33A>T, p.Lys11Asn (NM_001367390.1, NM_001440885.1, NM_001440886.1 and 1 more transcripts); c.759A>T, p.Lys253Asn (NM_001440883.1, NM_001440884.1); c.664+1008A>T (NM_001293634.2); short protein forms K11N, K253N.
Identifiers: ClinVar variation 3642314 (VCV003642314.2).

ClinVar aggregate classification (germline): Likely pathogenic (1 of 4 stars; one submission).

Submission:

Labcorp Genetics (formerly Invitae), Labcorp
Classification: Likely pathogenic. Last evaluated: 2024-11-05. Review status: criteria provided, single submitter. Criteria: Invitae Variant Classification Sherloc (09022015). Collection method: clinical testing. Allele origin: germline.
Comment: This sequence change replaces lysine, which is basic and polar, with asparagine, which is neutral and polar, at codon 253 of the DEAF1 protein (p.Lys253Asn). This variant is not present in population databases (gnomAD no frequency). This missense change has been observed in individual(s) with clinical features of autosomal dominant DEAF1-related conditions (internal data). Invitae Evidence Modeling of protein sequence and biophysical properties (such as structural, functional, and spatial information, amino acid conservation, physicochemical variation, residue mobility, and thermodynamic stability) indicates that this missense variant is expected to disrupt DEAF1 protein function with a positive predictive value of 95%. This variant disrupts the p.Lys253 amino acid residue in DEAF1. Other variant(s) that disrupt this residue have been determined to be pathogenic (PMID: 30923367). This suggests that this residue is clinically significant, and that variants that disrupt this residue are likely to be disease-causing. In summary, the currently available evidence indicates that the variant is pathogenic, but additional data are needed to prove that conclusively. Therefore, this variant has been classified as Likely Pathogenic.

Literature cited by the submitters: PubMed 30923367.